The following is an entry in ClinVar:

ClinVar aggregate classification (germline): Conflicting classifications of pathogenicity. Review status: criteria provided, conflicting classifications (1 of 4 stars). 2 submissions from 2 submitters: Uncertain significance (1); Likely benign (1). Last evaluated 2022-12-08.

Conditions:
Deficiency of alpha-mannosidase (MANSA). Also called: Mannosidosis, alpha-, types I and II; LYSOSOMAL ALPHA-D-MANNOSIDASE DEFICIENCY; Alpha-Mannosidosis. Identifiers: Orphanet 61, MedGen C0024748, MONDO:0009561, OMIM 248500.
Inborn genetic diseases. Identifiers: MedGen C0950123, MeSH D030342.

Submissions (2):

Labcorp Genetics (formerly Invitae), Labcorp
Classification: Likely benign for Deficiency of alpha-mannosidase. Last evaluated: 2022-12-08. Review status: criteria provided, single submitter. Criteria: Invitae Variant Classification Sherloc (09022015). Collection method: clinical testing. Allele origin: germline.

Ambry Genetics
Classification: Uncertain significance for Inborn genetic diseases. Last evaluated: 2022-03-15. Review status: criteria provided, single submitter. Criteria: Ambry Variant Classification Scheme 2023. Collection method: clinical testing. Allele origin: germline.
Comment: The c.1231-6C>T intronic alteration consists of a C to T substitution 6 nucleotides before coding exon 10 in the MAN2B1 gene. Based on insufficient or conflicting evidence, the clinical significance of this alteration remains unclear.

NM_000528.4(MAN2B1):c.1231-6C>T

Gene: MAN2B1 (mannosidase alpha class 2B member 1; minus strand). Cytogenetic location: 19p13.13.
Variant type: single nucleotide variant.
Coding change: c.1231-6C>T on transcript NM_000528.4 (MANE Select); 6 bases into the intron before coding-DNA position 1231, C replaced by T.
Molecular consequence: intron variant.
Genome position (GRCh38, 1-based): chr19:12,658,147, G>A on the plus strand (C>T on the coding strand, the complement: MAN2B1 is on the minus strand). VCF-style: chr19-12658147-G-A. GRCh37 (hg19) VCF-style: chr19-12768961-G-A.
Other names: c.1228-6C>T (NM_001173498.2).
Identifiers: ClinVar variation 2275478 (VCV002275478.5), dbSNP rs2512503266, ClinGen allele CA2580096517.